The following is an entry in ClinVar:

ClinVar aggregate classification (germline): Uncertain significance (1 of 4 stars; one submission).

Allele frequency attached by ClinVar (database versions not stated): gnomAD exomes below 0.00001.
gnomAD v4.1: 4 of 1,614,118 alleles (0.00025%); highest among the groups gnomAD compares: Non-Finnish European, 0.00025%; no homozygotes.

Submission:

Labcorp Genetics (formerly Invitae), Labcorp
Classification: Uncertain significance. Last evaluated: 2021-06-19. Review status: criteria provided, single submitter. Criteria: Invitae Variant Classification Sherloc (09022015). Collection method: clinical testing. Allele origin: germline.
Comment: Algorithms developed to predict the effect of missense changes on protein structure and function are either unavailable or do not agree on the potential impact of this missense change (SIFT: "Deleterious"; PolyPhen-2: "Probably Damaging"; Align-GVGD: "Class C0"). In summary, the available evidence is currently insufficient to determine the role of this variant in disease. Therefore, it has been classified as a Variant of Uncertain Significance. This variant has not been reported in the literature in individuals with BACH2-related conditions. This variant is not present in population databases (ExAC no frequency). This sequence change replaces glycine with aspartic acid at codon 610 of the BACH2 protein (p.Gly610Asp). The glycine residue is highly conserved and there is a moderate physicochemical difference between glycine and aspartic acid.

NM_021813.4(BACH2):c.1829G>A (p.Gly610Asp)

Gene: BACH2 (BACH transcriptional regulator 2; minus strand). Cytogenetic location: 6q15.
Variant type: single nucleotide variant.
Coding change: c.1829G>A on transcript NM_021813.4 (MANE Select); coding-DNA position 1829, G replaced by A.
Protein change: p.Gly610Asp; replaces glycine 610 with aspartic acid.
Molecular consequence: missense variant.
Genome position (GRCh38, 1-based): chr6:89,950,277, C>T on the plus strand (G>A on the coding strand, the complement: BACH2 is on the minus strand). VCF-style: chr6-89950277-C-T. GRCh37 (hg19) VCF-style: chr6-90659996-C-T.
Other names: c.1829G>A, p.Gly610Asp (NM_001170794.2); short protein forms G610D.
Identifiers: ClinVar variation 1362371 (VCV001362371.8), dbSNP rs970736926, ClinGen allele CA143342145.